The following is an entry in ClinVar:

NM_005739.4(RASGRP1):c.521+1G>C

Gene: RASGRP1 (RAS guanyl releasing protein 1; minus strand). Cytogenetic location: 15q14.
Variant type: single nucleotide variant.
Coding change: c.521+1G>C on transcript NM_005739.4 (MANE Select); the canonical splice donor site of the intron after coding-DNA position 521, G replaced by C.
Molecular consequence: splice donor variant.
Genome position (GRCh38, 1-based): chr15:38,518,291, C>G on the plus strand (G>C on the coding strand, the complement: RASGRP1 is on the minus strand). VCF-style: chr15-38518291-C-G. GRCh37 (hg19) VCF-style: chr15-38810492-C-G.
Other names: c.521+1G>C (NM_001306086.2, NM_001128602.2).
Identifiers: ClinVar variation 2010230 (VCV002010230.4), dbSNP rs2542918050, ClinGen allele CA391655327.

ClinVar aggregate classification (germline): Likely pathogenic (1 of 4 stars; one submission).

Submission:

Labcorp Genetics (formerly Invitae), Labcorp
Classification: Likely pathogenic. Last evaluated: 2023-12-07. Review status: criteria provided, single submitter. Criteria: Invitae Variant Classification Sherloc (09022015). Collection method: clinical testing. Allele origin: germline.
Comment: This sequence change affects a donor splice site in intron 5 of the RASGRP1 gene. It is expected to disrupt RNA splicing. Variants that disrupt the donor or acceptor splice site typically lead to a loss of protein function (PMID: 16199547), and loss-of-function variants in RASGRP1 are known to be pathogenic (PMID: 11017103, 27776107, 28822832). This variant is not present in population databases (gnomAD no frequency). This variant has not been reported in the literature in individuals affected with RASGRP1-related conditions. ClinVar contains an entry for this variant (Variation ID: 2010230). Algorithms developed to predict the effect of sequence changes on RNA splicing suggest that this variant may disrupt the consensus splice site. In summary, the currently available evidence indicates that the variant is pathogenic, but additional data are needed to prove that conclusively. Therefore, this variant has been classified as Likely Pathogenic.

Literature cited by the submitters: PubMed 16199547; PubMed 11017103; PubMed 27776107; PubMed 28822832.